The following is an entry in ClinVar:

ClinVar aggregate classification (germline): Likely pathogenic (1 of 4 stars; one submission).

Conditions:
Holocarboxylase synthetase deficiency. Also called: MULTIPLE CARBOXYLASE DEFICIENCY, EARLY ONSET. Identifiers: Orphanet 79242, MedGen C0268581, MONDO:0009666, OMIM 253270.

Submission:

Myriad Genetics, Inc.
Classification: Likely pathogenic for Holocarboxylase synthetase deficiency. Last evaluated: 2019-10-06. Review status: criteria provided, single submitter. Criteria: Myriad Women's Health Autosomal Recessive and X-Linked Classification Criteria (2019). Collection method: clinical testing. Allele origin: unknown.
Comment: NM_000411.6(HLCS):c.1340C>G(S447*) is expected to be pathogenic in the context of holocarboxylase synthetase deficiency. This variant is predicted to lead to an abnormal or absent protein product due to the creation of a premature termination codon in HLCS, a gene where loss-of-function variants are known to be pathogenic. Please note: this variant was assessed in the context of healthy population screening.

NM_001352514.2(HLCS):c.1781C>G (p.Ser594Ter)

Gene: HLCS (holocarboxylase synthetase; minus strand). Cytogenetic location: 21q22.13.
Variant type: single nucleotide variant.
Coding change: c.1781C>G on transcript NM_001352514.2 (MANE Select); coding-DNA position 1781, C replaced by G.
Protein change: p.Ser594Ter; replaces serine 594 with a stop codon.
Molecular consequence: nonsense. On other transcripts: non-coding transcript variant (2).
Genome position (GRCh38, 1-based): chr21:36,896,971, G>C on the plus strand (C>G on the coding strand, the complement: HLCS is on the minus strand). VCF-style: chr21-36896971-G-C. GRCh37 (hg19) VCF-style: chr21-38269271-G-C.
Other names: c.1340C>G, p.Ser447Ter (NM_000411.8, NM_001242784.3, NM_001242785.2 and 4 more transcripts); short protein forms S447*, S594*.
Identifiers: ClinVar variation 983893 (VCV000983893.3), dbSNP rs973578825, ClinGen allele CA409966488.